The following is an entry in ClinVar:

NM_021098.3(CACNA1H):c.2626G>A (p.Ala876Thr)

Gene: CACNA1H (calcium voltage-gated channel subunit alpha1 H; plus strand). Cytogenetic location: 16p13.3.
Variant type: single nucleotide variant.
Coding change: c.2626G>A on transcript NM_021098.3 (MANE Select); coding-DNA position 2626, G replaced by A.
Protein change: p.Ala876Thr; replaces alanine 876 with threonine.
Molecular consequence: missense variant.
Genome position (GRCh38, 1-based): chr16:1,206,126, G>A. VCF-style: chr16-1206126-G-A. GRCh37 (hg19) VCF-style: chr16-1256126-G-A.
Other names: c.2626G>A, p.Ala876Thr (NM_001005407.2); short protein forms A876T.
Identifiers: ClinVar variation 2706 (VCV000002706.44), dbSNP rs58173258, ClinGen allele CA115696.
Genomic context (GRCh38, chr16:1,206,126, plus strand): 5'-TCGTGGCCCCGCTGACCCTCGCCCCCACCTGTCCGCAGCGTCTGGGAGATCGTGGGGCAG[G>A]CGGACGGTGGCTTGTCTGTGCTGCGCACCTTCCGGCTGCTGCGTGTGCTGAAGCTGGTGC-3'
Protein context (NP_066921.2, residues 866-886): VISVWEIVGQ[Ala876Thr]DGGLSVLRTF

ClinVar aggregate classification (germline): Conflicting classifications of pathogenicity. Review status: criteria provided, conflicting classifications (1 of 4 stars). 7 submissions from 7 submitters: Uncertain significance (1); Benign (2); Likely benign (2). 2 of the submissions do not count toward it. Last evaluated 2026-02-01.

Conditions:
Idiopathic generalized epilepsy. Also called: Generalised epilepsy; EIG. Identifiers: MedGen C0270850, MONDO:0005579, OMIM 600669.
Hyperaldosteronism, familial, type IV (HALD4). Also called: FH IV; ALDOSTERONISM, PRIMARY, AND HYPERTENSION. Identifiers: Orphanet 642671, MedGen C4310756, MONDO:0014875, OMIM 617027.
CACNA1H-related disorder.
Epilepsy, childhood absence, susceptibility to, 6. Identifiers: Orphanet 64280, MedGen C2749872, MONDO:0012763, OMIM 611942.
Epilepsy, idiopathic generalized, susceptibility to, 6. Also called: Epilepsy, idiopathic generalized 6. Identifiers: MedGen C2677793, MONDO:0800279.

Allele frequency attached by ClinVar (database versions not stated): 1000 Genomes Project 0.00060; 1000 Genomes Project 30x 0.00078; gnomAD exomes 0.00117 and 0.00158; gnomAD 0.00135 and 0.00169; TOPMed 0.00188; ExAC 0.00192.
gnomAD v4.1: 2,507 of 1,583,716 alleles (0.16%); highest among the groups gnomAD compares: Admixed American, 0.29%; 2 homozygotes.

Submissions (7):

CeGaT Center for Human Genetics Tuebingen
Classification: Benign. Last evaluated: 2026-02-01. Review status: criteria provided, single submitter. Criteria: CeGaT Center For Human Genetics Tuebingen Variant Classification Criteria Version 2. Collection method: clinical testing. Allele origin: germline. Affected: yes. Observed: 2 variant alleles.
Comment: CACNA1H: BS1, BS2

Labcorp Genetics (formerly Invitae), Labcorp
Classification: Benign for Idiopathic generalized epilepsy; Hyperaldosteronism, familial, type IV. Last evaluated: 2026-01-09. Review status: criteria provided, single submitter. Criteria: Invitae Variant Classification Sherloc (09022015). Collection method: clinical testing. Allele origin: germline.

Blueprint Genetics
Classification: Likely benign. Last evaluated: 2024-10-30. Review status: criteria provided, single submitter. Criteria: ACMG Guidelines, 2015. Collection method: clinical testing. Allele origin: germline.

Athena Diagnostics
Classification: Likely benign. Last evaluated: 2024-01-10. Review status: criteria provided, single submitter. Criteria: Athena Diagnostics Criteria. Collection method: clinical testing. Allele origin: unknown.

Baylor Genetics
Classification: Uncertain significance for Epilepsy, childhood absence, susceptibility to, 6. Last evaluated: 2018-01-18. Review status: criteria provided, single submitter. Criteria: ACMG Guidelines, 2015. Collection method: clinical testing. Allele origin: paternal. Affected: yes.
Comment: This variant was determined to be of uncertain significance according to ACMG Guidelines, 2015 [PMID:25741868].

PreventionGenetics, part of Exact Sciences
Classification: Likely benign for CACNA1H-related condition. Last evaluated: 2020-04-11. Review status: no assertion criteria provided. Collection method: clinical testing. Allele origin: germline. Not counted in ClinVar's aggregate classification.
Comment: This variant is classified as likely benign based on ACMG/AMP sequence variant interpretation guidelines (Richards et al. 2015 PMID: 25741868, with internal and published modifications).

OMIM
Classification: risk factor for EPILEPSY, IDIOPATHIC GENERALIZED, SUSCEPTIBILITY TO, 6. Last evaluated: 2007-12-01. Review status: no assertion criteria provided. Collection method: literature only. Allele origin: germline. Not counted in ClinVar's aggregate classification.

Literature cited by the submitters: PubMed 36786913 (cited by Athena Diagnostics); PubMed 33543123 (cited by Athena Diagnostics); PubMed 17696120 (cited by Athena Diagnostics and OMIM); PubMed 26587300 (cited by Athena Diagnostics); PubMed 32227660 (cited by Athena Diagnostics); PubMed 30860130 (cited by Athena Diagnostics).